The following is an entry in ClinVar:

ClinVar aggregate classification (germline): Conflicting classifications of pathogenicity. Review status: criteria provided, conflicting classifications (1 of 4 stars). 5 submissions from 5 submitters: Uncertain significance (4); Likely benign (1). Last evaluated 2026-08-10.

Conditions:
Myofibrillar myopathy 5. Also called: Filaminopathy (type); FILAMINOPATHY, AUTOSOMAL DOMINANT. Identifiers: Orphanet 171445, MedGen C1836050, MONDO:0012289, OMIM 609524.
Distal myopathy with posterior leg and anterior hand involvement. Also called: WILLIAMS DISTAL MYOPATHY. Identifiers: Orphanet 63273, MedGen C3279722, MONDO:0013550, OMIM 614065.
Hypertrophic cardiomyopathy 26. Also called: Cardiomyopathy, familial hypertrophic, 26. Identifiers: Orphanet 75249, MedGen C4310749, MONDO:0014883, OMIM 617047.
Cardiovascular phenotype. Identifiers: MedGen CN230736.
FLNC-related disorder. Also called: FLNC-related condition; FLNC-related disorders.

Allele frequency attached by ClinVar (database versions not stated): ExAC 0.00001; gnomAD exomes 0.00001 and 0.00002; gnomAD 0.00003 and 0.00004; TOPMed 0.00003.
gnomAD v4.1: 26 of 1,613,166 alleles (0.0016%); highest among the groups gnomAD compares: South Asian, 0.0099%; no homozygotes.

Submissions (5):

PreventionGenetics, part of Exact Sciences
Classification: Uncertain significance for FLNC-related condition. Last evaluated: 2026-08-10. Review status: criteria provided, single submitter. Criteria: ACMG Guidelines, 2015. Collection method: clinical testing. Allele origin: germline.
Comment: The FLNC c.6190G>A variant is predicted to result in the amino acid substitution p.Val2064Met. To our knowledge, this variant has not been reported in the literature. This variant is reported in 0.013% of alleles in individuals of South Asian descent in gnomAD. At this time, the clinical significance of this variant is uncertain due to the absence of conclusive functional and genetic evidence.

Labcorp Genetics (formerly Invitae), Labcorp
Classification: Likely benign for Distal myopathy with posterior leg and anterior hand involvement; Myofibrillar myopathy 5; Hypertrophic cardiomyopathy 26. Last evaluated: 2025-12-06. Review status: criteria provided, single submitter. Criteria: Invitae Variant Classification Sherloc (09022015). Collection method: clinical testing. Allele origin: germline.

GeneDx
Classification: Uncertain significance. Last evaluated: 2025-01-31. Review status: criteria provided, single submitter. Criteria: GeneDx Variant Classification Process June 2021. Collection method: clinical testing. Allele origin: germline. Affected: yes.
Comment: In silico analysis supports that this missense variant has a deleterious effect on protein structure/function; Has not been previously published as pathogenic or benign to our knowledge

Blueprint Genetics
Classification: Uncertain significance. Last evaluated: 2024-02-23. Review status: criteria provided, single submitter. Criteria: ACMG Guidelines, 2015. Collection method: clinical testing. Allele origin: germline.

Ambry Genetics
Classification: Uncertain significance for Cardiovascular phenotype. Last evaluated: 2023-12-16. Review status: criteria provided, single submitter. Criteria: Ambry Variant Classification Scheme 2023. Collection method: clinical testing. Allele origin: germline.

NM_001458.5(FLNC):c.6190G>A (p.Val2064Met)

Genes: FLNC (filamin C; plus strand), FLNC-AS1 (FLNC antisense RNA 1; minus strand). Cytogenetic location: 7q32.1.
Variant type: single nucleotide variant.
Coding change: c.6190G>A on transcript NM_001458.5 (MANE Select); coding-DNA position 6190, G replaced by A.
Protein change: p.Val2064Met; replaces valine 2064 with methionine.
Molecular consequence: missense variant.
Genome position (GRCh38, 1-based): chr7:128,853,013, G>A. VCF-style: chr7-128853013-G-A. GRCh37 (hg19) VCF-style: chr7-128493067-G-A.
Other names: c.6091G>A, p.Val2031Met (NM_001127487.2); c.6190G>A (NM_001458.4); short protein forms V2031M, V2064M.
Identifiers: ClinVar variation 1359975 (VCV001359975.12), dbSNP rs756710545, ClinGen allele CA4475901.
Genomic context (GRCh38, chr7:128,853,013, plus strand): 5'-GTGCGGGTCTGGGGCAAGGGGCTTTCCGAGGGACACACATTCCAGGTGGCAGAGTTCATC[G>A]TGGACACTCGCAATGCAGGTACCTCCTGCCCCAGAGAGCCCCCATTCCAGCGGGTGCCTC-3'
Protein context (NP_001449.3, residues 2054-2074): GHTFQVAEFI[Val2064Met]DTRNAGYGGL